The following is an entry in ClinVar:

NM_001318852.2(MAPK8IP3):c.2450C>A (p.Ala817Asp)

Gene: MAPK8IP3 (mitogen-activated protein kinase 8 interacting protein 3; plus strand). Cytogenetic location: 16p13.3.
Variant type: single nucleotide variant.
Coding change: c.2450C>A on transcript NM_001318852.2 (MANE Select); coding-DNA position 2450, C replaced by A.
Protein change: p.Ala817Asp; replaces alanine 817 with aspartic acid.
Molecular consequence: missense variant.
Genome position (GRCh38, 1-based): chr16:1,765,963, C>A. VCF-style: chr16-1765963-C-A. GRCh37 (hg19) VCF-style: chr16-1815964-C-A.
Other names: c.2429C>A (NM_001040439.1); c.2429C>A, p.Ala810Asp (NM_001040439.2); c.2447C>A, p.Ala816Asp (NM_015133.5); c.2447C>A (NM_015133.3); short protein forms A810D, A816D, A817D.
Identifiers: ClinVar variation 545594 (VCV000545594.9), dbSNP rs1555458045, ClinGen allele CA394235214.

ClinVar aggregate classification (germline): Uncertain significance. Review status: criteria provided, multiple submitters, no conflicts (2 of 4 stars). 5 submissions from 5 submitters: Uncertain significance (5). Last evaluated 2026-07-03.

Conditions:
Neurodevelopmental disorder with or without variable brain abnormalities; NEDBA. Also called: NEURODEVELOPMENTAL DISORDER WITH OR WITHOUT VARIABLE BRAIN ABNORMALITIES. Identifiers: MedGen C5193102, MONDO:0032755, OMIM 618443.
Inborn genetic diseases. Identifiers: MedGen C0950123, MeSH D030342.

Allele frequency attached by ClinVar (database versions not stated): gnomAD exomes below 0.00001.
gnomAD v4.1: 1 of 1,610,194 alleles (0.000062%); highest among the groups gnomAD compares: Non-Finnish European, 0.000085%; no homozygotes.

Submissions (5):

Ambry Genetics
Classification: Uncertain significance for Inborn genetic diseases. Last evaluated: 2026-07-03. Review status: criteria provided, single submitter. Criteria: Ambry Variant Classification Scheme 2023. Collection method: clinical testing. Allele origin: germline.

GeneDx
Classification: Uncertain significance. Last evaluated: 2024-09-17. Review status: criteria provided, single submitter. Criteria: GeneDx Variant Classification Process June 2021. Collection method: clinical testing. Allele origin: germline. Affected: yes.
Comment: Not observed at significant frequency in large population cohorts (gnomAD); In silico analysis supports that this missense variant has a deleterious effect on protein structure/function; Has not been previously published as pathogenic or benign to our knowledge; In silico analysis suggests this variant may impact gene splicing. In the absence of RNA/functional studies, the actual effect of this sequence change is unknown.

MGZ Medical Genetics Center
Classification: Uncertain significance for Neurodevelopmental disorder with or without variable brain abnormalities; NEDBA. Last evaluated: 2022-03-31. Review status: criteria provided, single submitter. Criteria: ACMG Guidelines, 2015. Collection method: clinical testing. Allele origin: germline. Affected: yes. Observed: 1 variant allele.
Comment: ACMG criteria applied: PS4_SUP, PM2_SUP, BP4

Greenwood Genetic Center Diagnostic Laboratories, Greenwood Genetic Center
Classification: Uncertain significance. Last evaluated: 2021-11-15. Review status: criteria provided, single submitter. Criteria: ACMG Guidelines, 2015. Collection method: clinical testing. Allele origin: germline. Affected: yes.
Comment: PM2

HudsonAlpha Institute for Biotechnology
Classification: Uncertain significance. Last evaluated: 2018-04-16. Review status: criteria provided, single submitter. Criteria: ACMG Guidelines, 2015. Collection method: research. Allele origin: unknown. Affected: yes. Observed: 1 variant allele. Study: CSER-HudsonAlpha.